The following is an entry in ClinVar:

ClinVar aggregate classification (germline): Uncertain significance (1 of 4 stars; one submission).

Conditions:
Inborn genetic diseases. Identifiers: MedGen C0950123, MeSH D030342.

gnomAD v4.1: 2 of 1,597,312 alleles (0.00013%); highest among the groups gnomAD compares: East Asian, 0.0045%; no homozygotes.

Submission:

Ambry Genetics
Classification: Uncertain significance for Inborn genetic diseases. Last evaluated: 2024-10-12. Review status: criteria provided, single submitter. Criteria: Ambry Variant Classification Scheme 2023. Collection method: clinical testing. Allele origin: germline.
Comment: The p.L95V variant (also known as c.283T>G), located in coding exon 3 of the EPAS1 gene, results from a T to G substitution at nucleotide position 283. The leucine at codon 95 is replaced by valine, an amino acid with highly similar properties. This amino acid position is conserved. In addition, the in silico prediction for this alteration is inconclusive. Based on the available evidence, the clinical significance of this variant remains unclear.

NM_001430.5(EPAS1):c.283T>G (p.Leu95Val)

Gene: EPAS1 (endothelial PAS domain protein 1; plus strand). Cytogenetic location: 2p21.
Variant type: single nucleotide variant.
Coding change: c.283T>G on transcript NM_001430.5 (MANE Select); coding-DNA position 283, T replaced by G.
Protein change: p.Leu95Val; replaces leucine 95 with valine.
Molecular consequence: missense variant.
Genome position (GRCh38, 1-based): chr2:46,356,216, T>G. VCF-style: chr2-46356216-T-G. GRCh37 (hg19) VCF-style: chr2-46583355-T-G.
Other names: short protein forms L95V.
Identifiers: ClinVar variation 3508999 (VCV003508999.1).
Genomic context (GRCh38, chr2:46,356,216, plus strand): 5'-TCTGAAAACGAGTCCGAAGCCGAAGCTGACCAGCAGATGGACAACTTGTACCTGAAAGCC[T>G]TGGAGGGTTTCATTGCCGTGGTGACCCAAGATGGCGACATGATCTTTCTGTCAGAAAACA-3'
Protein context (NP_001421.2, residues 85-105): QQMDNLYLKA[Leu95Val]EGFIAVVTQD